The following is an entry in ClinVar:

NM_007294.4(BRCA1):c.-20+6A>G

Genes: BRCA1 (BRCA1 DNA repair associated; minus strand), LOC111589215 (BRCA1 promoter region; plus strand). Cytogenetic location: 17q21.31.
Variant type: single nucleotide variant.
Coding change: c.-20+6A>G on transcript NM_007294.4 (MANE Select); 6 bases into the intron after 20 bases upstream of the start codon, A replaced by G.
Molecular consequence: intron variant. On other transcripts: non-coding transcript variant (1).
Genome position (GRCh38, 1-based): chr17:43,125,265, T>C on the plus strand (A>G on the coding strand, the complement: BRCA1 is on the minus strand). VCF-style: chr17-43125265-T-C. GRCh37 (hg19) VCF-style: chr17-41277282-T-C.
Other names: c.-103A>G (NM_001407978.1, NM_001407981.1, NM_001407582.1 and 20 more transcripts); c.-291A>G (NM_001407571.1, NM_001408478.1, NM_001408484.1 and 4 more transcripts); c.-548A>G (NM_001407979.1, NM_001407583.1, NM_001407986.1 and 32 more transcripts); c.-1169A>G (NM_001407982.1, NM_001407593.1, NM_001407610.1 and 6 more transcripts); c.-535A>G (NM_001407605.1, NM_001407623.1); c.-808A>G (NM_001408410.1, NM_001407838.1); c.-363A>G (NM_001408462.1); c.-1357A>G (NM_001408483.1); and 13 more.
Identifiers: ClinVar variation 2115501 (VCV002115501.6), dbSNP rs2154579979, ClinGen allele CA2580094002.

ClinVar aggregate classification (germline): Uncertain significance. Review status: criteria provided, multiple submitters, no conflicts (2 of 4 stars). 2 submissions from 2 submitters: Uncertain significance (2). Last evaluated 2026-02-23.

Conditions:
Breast-ovarian cancer, familial, susceptibility to, 1 (BROVCA1). Also called: BRCA1 Hereditary Breast and Ovarian Cancer; OVARIAN CANCER, SUSCEPTIBILITY TO. Identifiers: Orphanet 145, MedGen C2676676, MONDO:0011450, OMIM 604370. Disease mechanism: loss of function.
Hereditary breast ovarian cancer syndrome. Also called: Hereditary breast and ovarian cancer syndrome (HBOC); Breast and ovarian cancer; Hereditary breast and/or ovarian cancer syndrome; BRCA1- and BRCA2-Associated Hereditary Breast and Ovarian Cancer; Hereditary breast and ovarian cancer; Hereditary breast and ovarian cancer syndrome. Identifiers: Orphanet 145, MedGen C0677776, MeSH D061325, MONDO:0003582. Disease mechanism: loss of function.

Submissions (2):

Dasa
Classification: Uncertain significance for Breast-ovarian cancer, familial, susceptibility to, 1. Last evaluated: 2026-02-23. Review status: criteria provided, single submitter. Criteria: DASA Assertion Criteria. Collection method: clinical testing. Allele origin: germline.
Comment: NM_007294.4(BRCA1):c.-20+6A>G is an intronic variant. This variant is rare in population databases. Computational prediction algorithms are consistent with a benign effect. The currently available literature and clinical evidence are not sufficient to establish a definitive association between this variant and the reported condition. Therefore, this variant is classified as a variant of uncertain significance.

Labcorp Genetics (formerly Invitae), Labcorp
Classification: Uncertain significance for Hereditary breast ovarian cancer syndrome. Last evaluated: 2024-11-27. Review status: criteria provided, single submitter. Criteria: Invitae Variant Classification Sherloc (09022015). Collection method: clinical testing. Allele origin: germline.
Comment: This variant occurs in a non-coding region of the BRCA1 gene. It does not change the encoded amino acid sequence of the BRCA1 protein. It affects a nucleotide within the consensus splice site. This variant is not present in population databases (gnomAD no frequency). This variant has not been reported in the literature in individuals affected with BRCA1-related conditions. ClinVar contains an entry for this variant (Variation ID: 2115501). Variants that disrupt the consensus splice site are a relatively common cause of aberrant splicing (PMID: 17576681, 9536098). Algorithms developed to predict the effect of sequence changes on RNA splicing suggest that this variant is not likely to affect RNA splicing. In summary, the available evidence is currently insufficient to determine the role of this variant in disease. Therefore, it has been classified as a Variant of Uncertain Significance.

Literature cited by the submitters: PubMed 17576681 (cited by Labcorp Genetics (formerly Invitae), Labcorp); PubMed 9536098 (cited by Labcorp Genetics (formerly Invitae), Labcorp).